The following is an entry in ClinVar:

ClinVar aggregate classification (germline): Uncertain significance (1 of 4 stars; one submission).

Conditions:
Thrombocytopenia 1. Also called: THROMBOCYTOPENIA, X-LINKED, 1; X-Linked Thrombocytopenia (XLT); X-linked thrombocytopenia with normal platelets. Identifiers: Orphanet 268322, Orphanet 852, MedGen C1839163, MONDO:0010743, OMIM 313900.
Wiskott-Aldrich syndrome (WAS). Also called: ALDRICH SYNDROME; IMMUNODEFICIENCY 2; WISKOTT-ALDRICH SYNDROME 1; Wiskott-aldrich syndrome, somatic. Identifiers: Orphanet 906, MedGen C0043194, MONDO:0010518, OMIM 301000.
X-linked severe congenital neutropenia (SCNX). Identifiers: Orphanet 86788, MedGen C1845987, MONDO:0010294, OMIM 300299.

Submission:

Labcorp Genetics (formerly Invitae), Labcorp
Classification: Uncertain significance for Wiskott-Aldrich syndrome; X-linked severe congenital neutropenia; Thrombocytopenia 1. Last evaluated: 2024-01-06. Review status: criteria provided, single submitter. Criteria: Invitae Variant Classification Sherloc (09022015). Collection method: clinical testing. Allele origin: germline.
Comment: This sequence change replaces proline, which is neutral and non-polar, with serine, which is neutral and polar, at codon 220 of the WAS protein (p.Pro220Ser). This variant is not present in population databases (gnomAD no frequency). This variant has not been reported in the literature in individuals affected with WAS-related conditions. Advanced modeling of protein sequence and biophysical properties (such as structural, functional, and spatial information, amino acid conservation, physicochemical variation, residue mobility, and thermodynamic stability) performed at Invitae indicates that this missense variant is not expected to disrupt WAS protein function with a negative predictive value of 80%. In summary, the available evidence is currently insufficient to determine the role of this variant in disease. Therefore, it has been classified as a Variant of Uncertain Significance.

NM_000377.3(WAS):c.658C>T (p.Pro220Ser)

Gene: WAS (WASP actin nucleation promoting factor; plus strand). Cytogenetic location: Xp11.23.
Variant type: single nucleotide variant.
Coding change: c.658C>T on transcript NM_000377.3 (MANE Select); coding-DNA position 658, C replaced by T.
Protein change: p.Pro220Ser; replaces proline 220 with serine.
Molecular consequence: missense variant.
Genome position (GRCh38, 1-based): chrX:48,686,879, C>T. VCF-style: chrX-48686879-C-T. GRCh37 (hg19) VCF-style: chrX-48545268-C-T.
Other names: short protein forms P220S.
Identifiers: ClinVar variation 2947068 (VCV002947068.3), dbSNP rs2519283259, ClinGen allele CA412870690.
Genomic context (GRCh38, chrX:48,686,879, plus strand): 5'-GTGGACATCCAGAACCCTGACATCACGAGTTCACGATACCGTGGGCTCCCAGCACCTGGA[C>T]CTAGCCCAGCTGATAAGAAACGCTCAGGGAAGAAGAAGATCAGCAAAGCTGATATTGGTG-3'
Protein context (NP_000368.1, residues 210-230): SRYRGLPAPG[Pro220Ser]SPADKKRSGK